The following is an entry in ClinVar:

ClinVar aggregate classification (germline): Likely benign. Review status: criteria provided, multiple submitters, no conflicts (2 of 4 stars). 5 submissions from 5 submitters: Likely benign (4). 1 of the submissions does not count toward it. Last evaluated 2026-04-23.

Conditions:
TAP1-related disorder. Also called: TAP1-related condition.
MHC class I deficiency. Identifiers: Orphanet 34592, MedGen C6024714, MONDO:0011476.

Allele frequency attached by ClinVar (database versions not stated): 1000 Genomes Project 30x 0.00109; 1000 Genomes Project 0.00140; ExAC 0.00227; gnomAD exomes 0.00233 and 0.00385; gnomAD 0.00266 and 0.00282; TOPMed 0.00270; ESP Exome Variant Server 0.00277.
gnomAD v4.1: 5,991 of 1,614,104 alleles (0.37%); highest among the groups gnomAD compares: Non-Finnish European, 0.46%; 17 homozygotes.

Submissions (5):

Women's Health and Genetics/Laboratory Corporation of America, LabCorp
Classification: Likely benign. Last evaluated: 2026-04-23. Review status: criteria provided, single submitter. Criteria: LabCorp Variant Classification Summary - May 2015. Collection method: clinical testing. Allele origin: germline.
Comment: Variant summary: TAP1 c.1547C>T (p.Pro516Leu) results in a non-conservative amino acid change in the encoded protein sequence. Algorithms developed to predict the effect of missense changes on protein structure and function are either unavailable or do not agree on the potential impact of this missense change. The variant allele was found at a frequency of 0.0023 in 251496 control chromosomes, predominantly at a frequency of 0.0038 within the Non-Finnish European subpopulation in the gnomAD database. The observed variant frequency within Non-Finnish European control individuals in the gnomAD database exceeds the estimated maximal expected allele frequency for disease-causing variants in TAP1. To our knowledge, no occurrence of c.1547C>T in individuals affected with TAP1-related conditions and no experimental evidence demonstrating its impact on protein function have been reported. ClinVar contains an entry for this variant (Variation ID: 534714). Based on the evidence outlined above, the variant was classified as likely benign.

Labcorp Genetics (formerly Invitae), Labcorp
Classification: Likely benign for MHC class I deficiency 1. Last evaluated: 2026-02-03. Review status: criteria provided, single submitter. Criteria: Invitae Variant Classification Sherloc (09022015). Collection method: clinical testing. Allele origin: germline.

CeGaT Center for Human Genetics Tuebingen
Classification: Likely benign. Last evaluated: 2026-01-01. Review status: criteria provided, single submitter. Criteria: CeGaT Center For Human Genetics Tuebingen Variant Classification Criteria Version 2. Collection method: clinical testing. Allele origin: germline. Affected: yes. Observed: 2 variant alleles.
Comment: TAP1: BS2

Blueprint Genetics
Classification: Likely benign. Last evaluated: 2024-11-20. Review status: criteria provided, single submitter. Criteria: ACMG Guidelines, 2015. Collection method: clinical testing. Allele origin: germline.

PreventionGenetics, part of Exact Sciences
Classification: Likely benign for TAP1-related condition. Last evaluated: 2022-02-20. Review status: no assertion criteria provided. Collection method: clinical testing. Allele origin: germline. Not counted in ClinVar's aggregate classification.
Comment: This variant is classified as likely benign based on ACMG/AMP sequence variant interpretation guidelines (Richards et al. 2015 PMID: 25741868, with internal and published modifications).

NM_000593.6(TAP1):c.1547C>T (p.Pro516Leu)

Gene: TAP1 (transporter 1, ATP binding cassette subfamily B member; minus strand). Cytogenetic location: 6p21.32.
Variant type: single nucleotide variant.
Coding change: c.1547C>T on transcript NM_000593.6 (MANE Select); coding-DNA position 1547, C replaced by T.
Protein change: p.Pro516Leu; replaces proline 516 with leucine.
Molecular consequence: missense variant.
Genome position (GRCh38, 1-based): chr6:32,848,671, G>A on the plus strand (C>T on the coding strand, the complement: TAP1 is on the minus strand). VCF-style: chr6-32848671-G-A. GRCh37 (hg19) VCF-style: chr6-32816448-G-A.
Other names: c.944C>T, p.Pro315Leu (NM_001292022.2); short protein forms P576L, P315L, P516L.
Identifiers: ClinVar variation 534714 (VCV000534714.30), dbSNP rs2228106, ClinGen allele CA3746761.